The following is an entry in ClinVar:

ClinVar aggregate classification (germline): Uncertain significance (1 of 4 stars; one submission).

Submission:

GeneDx
Classification: Uncertain significance. Last evaluated: 2022-02-11. Review status: criteria provided, single submitter. Criteria: GeneDx Variant Classification Process June 2021. Collection method: clinical testing. Allele origin: germline. Affected: yes.
Comment: Not observed at significant frequency in large population cohorts (gnomAD); In silico analysis supports that this missense variant has a deleterious effect on protein structure/function; Has not been previously published as pathogenic or benign to our knowledge

NM_021728.4(OTX2):c.277T>A (p.Trp93Arg)

Gene: OTX2 (orthodenticle homeobox 2; minus strand). Cytogenetic location: 14q22.3.
Variant type: single nucleotide variant.
Coding change: c.277T>A on transcript NM_021728.4 (MANE Select); coding-DNA position 277, T replaced by A.
Protein change: p.Trp93Arg; replaces tryptophan 93 with arginine.
Molecular consequence: missense variant. On other transcripts: non-coding transcript variant (2).
Genome position (GRCh38, 1-based): chr14:56,802,352, A>T on the plus strand (T>A on the coding strand, the complement: OTX2 is on the minus strand). VCF-style: chr14-56802352-A-T. GRCh37 (hg19) VCF-style: chr14-57269070-A-T.
Other names: c.253T>A, p.Trp85Arg (NM_001270523.2, NM_001270524.2, NM_172337.3); c.277T>A, p.Trp93Arg (NM_001270525.2); short protein forms W85R, W93R.
Identifiers: ClinVar variation 1700994 (VCV001700994.2), dbSNP rs2139529405, ClinGen allele CA390052212.
Genomic context (GRCh38, chr14:56,802,352, plus strand): 5'-GACCTCCATTCTGCTGTTGTTGCTGTTGTTGGCGGCACTTAGCTCTTCGATTCTTAAACC[A>T]TACCTTGGAAGGGAAAGAAAATTCTTTAACTCGGTTTTGATAGTTCCTTAAGGACAAGAA-3'
Protein context (NP_068374.1, residues 83-103): INLPESRVQV[Trp93Arg]FKNRRAKCRQ